The following is an entry in ClinVar:

ClinVar aggregate classification (germline): Uncertain significance. Review status: criteria provided, multiple submitters, no conflicts (2 of 4 stars). 2 submissions from 2 submitters: Uncertain significance (2). Last evaluated 2025-07-31.

Conditions:
Cardiovascular phenotype. Identifiers: MedGen CN230736.

Allele frequency attached by ClinVar (database versions not stated): gnomAD exomes below 0.00001.
gnomAD v4.1: 1 of 1,612,366 alleles (0.000062%); highest among the groups gnomAD compares: Non-Finnish European, 0.000085%; no homozygotes.

Submissions (2):

GeneDx
Classification: Uncertain significance. Last evaluated: 2025-07-31. Review status: criteria provided, single submitter. Criteria: GeneDx Variant Classification Process June 2021. Collection method: clinical testing. Allele origin: germline. Affected: yes.
Comment: Not observed at significant frequency in large population cohorts (gnomAD); In silico analysis supports that this missense variant has a deleterious effect on protein structure/function; Has not been previously published as pathogenic or benign to our knowledge

Ambry Genetics
Classification: Uncertain significance for Cardiovascular phenotype. Last evaluated: 2023-12-16. Review status: criteria provided, single submitter. Criteria: Ambry Variant Classification Scheme 2023. Collection method: clinical testing. Allele origin: germline.
Comment: The p.C994Y variant (also known as c.2981G>A), located in coding exon 8 of the AKAP9 gene, results from a G to A substitution at nucleotide position 2981. The cysteine at codon 994 is replaced by tyrosine, an amino acid with highly dissimilar properties. This amino acid position is highly conserved in available vertebrate species. In addition, this alteration is predicted to be tolerated by in silico analysis. Since supporting evidence is limited at this time, the clinical significance of this alteration remains unclear.

NM_005751.5(AKAP9):c.2981G>A (p.Cys994Tyr)

Gene: AKAP9 (A-kinase anchoring protein 9; plus strand). Cytogenetic location: 7q21.2.
Variant type: single nucleotide variant.
Coding change: c.2981G>A on transcript NM_005751.5 (MANE Select); coding-DNA position 2981, G replaced by A.
Protein change: p.Cys994Tyr; replaces cysteine 994 with tyrosine.
Molecular consequence: missense variant.
Genome position (GRCh38, 1-based): chr7:92,002,898, G>A. VCF-style: chr7-92002898-G-A. GRCh37 (hg19) VCF-style: chr7-91632212-G-A.
Other names: c.2981G>A, p.Cys994Tyr (NM_147185.3); short protein forms C994Y.
Identifiers: ClinVar variation 1798407 (VCV001798407.3), dbSNP rs2484695773, ClinGen allele CA368125367.
Genomic context (GRCh38, chr7:92,002,898, plus strand): 5'-GTTTTCTAAATGAAGAAGTTAAATCTTTAAAGCAAGAGAAAGAACAAGTTTCATTGAGAT[G>A]TAGAGAGCTAGAAATCATTATTAACCACAACAGGGCAGAAAATGTACAGTCATGTGATAC-3'
Protein context (NP_005742.4, residues 984-1004): KQEKEQVSLR[Cys994Tyr]RELEIIINHN